The following is an entry in ClinVar:

ClinVar aggregate classification (germline): Uncertain significance (1 of 4 stars; one submission).

Conditions:
Inborn genetic diseases. Identifiers: MedGen C0950123, MeSH D030342.

Submission:

Ambry Genetics
Classification: Uncertain significance for Inborn genetic diseases. Last evaluated: 2022-12-13. Review status: criteria provided, single submitter. Criteria: Ambry Variant Classification Scheme 2023. Collection method: clinical testing. Allele origin: germline.
Comment: The p.G974A variant (also known as c.2921G>C), located in coding exon 21 of the LTBP3 gene, results from a G to C substitution at nucleotide position 2921. The glycine at codon 974 is replaced by alanine, an amino acid with similar properties. This amino acid position is conserved. In addition, the in silico prediction for this alteration is inconclusive. Since supporting evidence is limited at this time, the clinical significance of this alteration remains unclear.

NM_001130144.3(LTBP3):c.2921G>C (p.Gly974Ala)

Gene: LTBP3 (latent transforming growth factor beta binding protein 3; minus strand). Cytogenetic location: 11q13.1.
Variant type: single nucleotide variant.
Coding change: c.2921G>C on transcript NM_001130144.3 (MANE Select); coding-DNA position 2921, G replaced by C.
Protein change: p.Gly974Ala; replaces glycine 974 with alanine.
Molecular consequence: missense variant.
Genome position (GRCh38, 1-based): chr11:65,540,927, C>G on the plus strand (G>C on the coding strand, the complement: LTBP3 is on the minus strand). VCF-style: chr11-65540927-C-G. GRCh37 (hg19) VCF-style: chr11-65308398-C-G.
Other names: c.2570G>C, p.Gly857Ala (NM_001164266.1); c.2921G>C, p.Gly974Ala (NM_021070.4); short protein forms G857A, G974A.
Identifiers: ClinVar variation 2447585 (VCV002447585.2), dbSNP rs2496128745, ClinGen allele CA381268080.